The following is an entry in ClinVar:

ClinVar aggregate classification (germline): Uncertain significance (1 of 4 stars; one submission).

Submission:

Labcorp Genetics (formerly Invitae), Labcorp
Classification: Uncertain significance. Last evaluated: 2023-09-06. Review status: criteria provided, single submitter. Criteria: Invitae Variant Classification Sherloc (09022015). Collection method: clinical testing. Allele origin: germline.
Comment: This sequence change replaces lysine, which is basic and polar, with isoleucine, which is neutral and non-polar, at codon 1351 of the TCF20 protein (p.Lys1351Ile). This variant is not present in population databases (gnomAD no frequency). This variant has not been reported in the literature in individuals affected with TCF20-related conditions. An algorithm developed to predict the effect of missense changes on protein structure and function (PolyPhen-2) suggests that this variant is likely to be disruptive. In summary, the available evidence is currently insufficient to determine the role of this variant in disease. Therefore, it has been classified as a Variant of Uncertain Significance.

NM_001378418.1(TCF20):c.4052A>T (p.Lys1351Ile)

Gene: TCF20 (transcription factor 20; minus strand). Cytogenetic location: 22q13.2.
Variant type: single nucleotide variant.
Coding change: c.4052A>T on transcript NM_001378418.1 (MANE Select); coding-DNA position 4052, A replaced by T.
Protein change: p.Lys1351Ile; replaces lysine 1351 with isoleucine.
Molecular consequence: missense variant.
Genome position (GRCh38, 1-based): chr22:42,211,254, T>A on the plus strand (A>T on the coding strand, the complement: TCF20 is on the minus strand). VCF-style: chr22-42211254-T-A. GRCh37 (hg19) VCF-style: chr22-42607260-T-A.
Other names: c.4052A>T, p.Lys1351Ile (NM_005650.4, NM_181492.3); short protein forms K1351I.
Identifiers: ClinVar variation 2758497 (VCV002758497.3), dbSNP rs2518209888, ClinGen allele CA411785150.